The following is an entry in ClinVar:

NM_001353921.2(ARHGEF9):c.1409C>G (p.Ser470Ter)

Gene: ARHGEF9 (Cdc42 guanine nucleotide exchange factor 9; minus strand). Cytogenetic location: Xq11.1.
Variant type: single nucleotide variant.
Coding change: c.1409C>G on transcript NM_001353921.2 (MANE Select); coding-DNA position 1409, C replaced by G.
Protein change: p.Ser470Ter; replaces serine 470 with a stop codon.
Molecular consequence: nonsense. On other transcripts: 3 prime UTR variant (2).
Genome position (GRCh38, 1-based): chrX:63,638,191, G>C on the plus strand (C>G on the coding strand, the complement: ARHGEF9 is on the minus strand). VCF-style: chrX-63638191-G-C. GRCh37 (hg19) VCF-style: chrX-62858071-G-C.
Other names: c.1229C>G, p.Ser410Ter (NM_001173479.2); c.1082C>G, p.Ser361Ter (NM_001173480.2, NM_001369042.1); c.1325C>G, p.Ser442Ter (NM_001330495.2, NM_001369033.1, NM_001369034.1 and 4 more transcripts); c.1277C>G, p.Ser426Ter (NM_001353922.2); c.1427C>G, p.Ser476Ter (NM_001353923.1); c.1208C>G, p.Ser403Ter (NM_001353924.2, NM_001353926.2, NM_001369039.1 and 1 more transcripts); c.1193C>G, p.Ser398Ter (NM_001353927.2, NM_001369041.1); c.1256C>G, p.Ser419Ter (NM_001353928.2); and 3 more; short protein forms S281*, S361*, S398*, S403*, S410*, S419*, S426*, S442*.
Identifiers: ClinVar variation 1327405 (VCV001327405.4), dbSNP rs782206262, ClinGen allele CA413401426.

ClinVar aggregate classification (germline): Pathogenic (1 of 4 stars; one submission).

Conditions:
Developmental and epileptic encephalopathy, 8 (DEE8). Also called: HYPEREKPLEXIA AND EPILEPSY. Identifiers: Orphanet 163985, Orphanet 2076, MedGen C1845102, MONDO:0010375, OMIM 300607.
ARHGEF9-related disorder. Also called: ARHGEF9-related condition.

Submission:

Labcorp Genetics (formerly Invitae), Labcorp
Classification: Pathogenic for Developmental and epileptic encephalopathy, 8. Last evaluated: 2024-03-27. Review status: criteria provided, single submitter. Criteria: Invitae Variant Classification Sherloc (09022015). Collection method: clinical testing. Allele origin: germline.
Comment: This sequence change creates a premature translational stop signal (p.Ser463*) in the ARHGEF9 gene. While this is not anticipated to result in nonsense mediated decay, it is expected to disrupt the last 54 amino acid(s) of the ARHGEF9 protein. This variant is not present in population databases (gnomAD no frequency). This variant has not been reported in the literature in individuals affected with ARHGEF9-related conditions. ClinVar contains an entry for this variant (Variation ID: 1327405). This variant disrupts a region of the ARHGEF9 protein in which other variant(s) (p.Tyr468Leufs*26) have been determined to be pathogenic (Invitae). This suggests that this is a clinically significant region of the protein, and that variants that disrupt it are likely to be disease-causing. For these reasons, this variant has been classified as Pathogenic.